The following is an entry in ClinVar:

NM_001868.4(CPA1):c.473A>G (p.Tyr158Cys)

Gene: CPA1 (carboxypeptidase A1; plus strand). Cytogenetic location: 7q32.2.
Variant type: single nucleotide variant.
Coding change: c.473A>G on transcript NM_001868.4 (MANE Select); coding-DNA position 473, A replaced by G.
Protein change: p.Tyr158Cys; replaces tyrosine 158 with cysteine.
Molecular consequence: missense variant.
Genome position (GRCh38, 1-based): chr7:130,382,199, A>G. VCF-style: chr7-130382199-A-G. GRCh37 (hg19) VCF-style: chr7-130022040-A-G.
Other names: short protein forms Y158C.
Identifiers: ClinVar variation 1742756 (VCV001742756.2), dbSNP rs2536006450, ClinGen allele CA369281256.

ClinVar aggregate classification (germline): Uncertain significance (1 of 4 stars; one submission).

Conditions:
Hereditary pancreatitis (PCTT). Also called: Hereditary chronic pancreatitis; PRSS1-Related Hereditary Pancreatitis. Identifiers: Orphanet 676, MedGen C0238339, MONDO:0008185, OMIM 167800.

Submission:

Ambry Genetics
Classification: Uncertain significance for Hereditary pancreatitis. Last evaluated: 2021-11-05. Review status: criteria provided, single submitter. Criteria: Ambry Variant Classification Scheme 2023. Collection method: clinical testing. Allele origin: germline.
Comment: The p.Y158C variant (also known as c.473A>G), located in coding exon 4 of the CPA1 gene, results from an A to G substitution at nucleotide position 473. The tyrosine at codon 158 is replaced by cysteine, an amino acid with highly dissimilar properties. This amino acid position is conserved. In addition, this alteration is predicted to be tolerated by in silico analysis. Since supporting evidence is limited at this time, the clinical significance of this alteration remains unclear.